The following is an entry in ClinVar:

NM_000038.6(APC):c.1453A>C (p.Met485Leu)

Gene: APC (APC regulator of Wnt signaling pathway; plus strand). Cytogenetic location: 5q22.2.
Variant type: single nucleotide variant.
Coding change: c.1453A>C on transcript NM_000038.6 (MANE Select); coding-DNA position 1453, A replaced by C.
Protein change: p.Met485Leu; replaces methionine 485 with leucine.
Molecular consequence: missense variant.
Genome position (GRCh38, 1-based): chr5:112,827,152, A>C. VCF-style: chr5-112827152-A-C. GRCh37 (hg19) VCF-style: chr5-112162849-A-C.
Other names: c.1453A>C, p.Met485Leu (NM_001127510.3, NM_001354895.2); c.1399A>C, p.Met467Leu (NM_001127511.3); c.1507A>C, p.Met503Leu (NM_001354896.2); c.1483A>C, p.Met495Leu (NM_001354897.2); c.1378A>C, p.Met460Leu (NM_001354898.2); c.1369A>C, p.Met457Leu (NM_001354899.2); c.1330A>C, p.Met444Leu (NM_001354900.2); c.1276A>C, p.Met426Leu (NM_001354901.2); and 5 more; short protein forms M485L, M467L, M394L, M444L, M495L, M325L, M457L, M359L.
Identifiers: ClinVar variation 627862 (VCV000627862.6), dbSNP rs1561553769, ClinGen allele CA16024485.

ClinVar aggregate classification (germline): Uncertain significance. Review status: criteria provided, multiple submitters, no conflicts (2 of 4 stars). 2 submissions from 2 submitters: Uncertain significance (2). Last evaluated 2023-10-05.

Conditions:
Familial adenomatous polyposis 1 (FAP1). Also called: FAMILIAL ADENOMATOUS POLYPOSIS 1, ATTENUATED; POLYPOSIS, ADENOMATOUS INTESTINAL. Identifiers: MedGen C2713442, MONDO:0021056, OMIM 175100. Disease mechanism: loss of function.
Hereditary cancer-predisposing syndrome. Also called: Tumor predisposition; Hereditary Cancer Syndrome; Neoplastic Syndromes, Hereditary; Hereditary neoplastic syndrome. Identifiers: Orphanet 140162, MedGen C0027672, MeSH D009386, MONDO:0015356.

Submissions (2):

Labcorp Genetics (formerly Invitae), Labcorp
Classification: Uncertain significance for Familial adenomatous polyposis 1. Last evaluated: 2023-10-05. Review status: criteria provided, single submitter. Criteria: Invitae Variant Classification Sherloc (09022015). Collection method: clinical testing. Allele origin: germline.
Comment: This sequence change replaces methionine, which is neutral and non-polar, with leucine, which is neutral and non-polar, at codon 485 of the APC protein (p.Met485Leu). This variant is not present in population databases (gnomAD no frequency). This variant has not been reported in the literature in individuals affected with APC-related conditions. ClinVar contains an entry for this variant (Variation ID: 627862). Advanced modeling of protein sequence and biophysical properties (such as structural, functional, and spatial information, amino acid conservation, physicochemical variation, residue mobility, and thermodynamic stability) performed at Invitae indicates that this missense variant is not expected to disrupt APC protein function. In summary, the available evidence is currently insufficient to determine the role of this variant in disease. Therefore, it has been classified as a Variant of Uncertain Significance.

Color Diagnostics, LLC DBA Color Health
Classification: Uncertain significance for Hereditary cancer-predisposing syndrome. Last evaluated: 2019-02-09. Review status: criteria provided, single submitter. Criteria: ACMG Guidelines, 2015. Collection method: clinical testing. Allele origin: germline.